The following is an entry in ClinVar:

NM_000238.4(KCNH2):c.2996G>C (p.Ser999Thr)

Gene: KCNH2 (potassium voltage-gated channel subfamily H member 2; minus strand). Cytogenetic location: 7q36.1.
Variant type: single nucleotide variant.
Coding change: c.2996G>C on transcript NM_000238.4 (MANE Select); coding-DNA position 2996, G replaced by C.
Protein change: p.Ser999Thr; replaces serine 999 with threonine.
Molecular consequence: missense variant. On other transcripts: non-coding transcript variant (2).
Genome position (GRCh38, 1-based): chr7:150,947,484, C>G on the plus strand (G>C on the coding strand, the complement: KCNH2 is on the minus strand). VCF-style: chr7-150947484-C-G. GRCh37 (hg19) VCF-style: chr7-150644572-C-G.
Other names: c.2708G>C, p.Ser903Thr (NM_001406753.1); c.1976G>C, p.Ser659Thr (NM_172057.3); short protein forms S903T, S659T, S999T.
Identifiers: ClinVar variation 2759650 (VCV002759650.5), dbSNP rs974699160, ClinGen allele CA169072139.
Genomic context (GRCh38, chr7:150,947,484, plus strand): 5'-GTGGGGGCGGGGCATCGAGGGAGCTCCTGGTACTGGCGGCCCCGACTGTCCCCCCAGAAG[C>G]TGAAAATGTTGGACACTCCTGAGAAGGCGCCTGCAGCCAGAGAGCAGAGCTGGGTGAGCG-3'
Protein context (NP_000229.1, residues 989-1009): GAFSGVSNIF[Ser999Thr]FWGDSRGRQY

ClinVar aggregate classification (germline): Uncertain significance. Review status: criteria provided, multiple submitters, no conflicts (2 of 4 stars). 3 submissions from 3 submitters: Uncertain significance (3). Last evaluated 2026-07-07.

Conditions:
Long QT syndrome (LQTS). Identifiers: MedGen C0023976, MeSH D008133, MONDO:0002442. Disease mechanism: loss of function. Inheritance: Various modes of inheritance.
Cardiovascular phenotype. Identifiers: MedGen CN230736.

Submissions (3):

Ambry Genetics
Classification: Uncertain significance for Cardiovascular phenotype. Last evaluated: 2026-07-07. Review status: criteria provided, single submitter. Criteria: Ambry Variant Classification Scheme 2023. Collection method: clinical testing. Allele origin: germline.
Comment: The p.S999T variant (also known as c.2996G>C), located in coding exon 13 of the KCNH2 gene, results from a G to C substitution at nucleotide position 2996. The serine at codon 999 is replaced by threonine, an amino acid with similar properties. This amino acid position is conserved. In addition, this alteration is predicted to be deleterious by in silico analysis. Based on the available evidence, the clinical significance of this variant remains unclear.

Labcorp Genetics (formerly Invitae), Labcorp
Classification: Uncertain significance for Long QT syndrome. Last evaluated: 2023-07-30. Review status: criteria provided, single submitter. Criteria: Invitae Variant Classification Sherloc (09022015). Collection method: clinical testing. Allele origin: germline.
Comment: In summary, the available evidence is currently insufficient to determine the role of this variant in disease. Therefore, it has been classified as a Variant of Uncertain Significance. Algorithms developed to predict the effect of sequence changes on RNA splicing suggest that this variant may disrupt the consensus splice site. An algorithm developed to predict the effect of missense changes on protein structure and function (PolyPhen-2) suggests that this variant is likely to be disruptive. This variant has not been reported in the literature in individuals affected with KCNH2-related conditions. This variant is not present in population databases (gnomAD no frequency). This sequence change replaces serine, which is neutral and polar, with threonine, which is neutral and polar, at codon 999 of the KCNH2 protein (p.Ser999Thr).

All of Us Research Program, National Institutes of Health
Classification: Uncertain significance for Long QT syndrome. Last evaluated: 2023-07-10. Review status: criteria provided, single submitter. Criteria: ACMG Guidelines, 2015. Collection method: clinical testing. Allele origin: germline. Inheritance: Autosomal dominant inheritance. Observed: 1 variant allele, 1 heterozygote.
Comment: This missense variant replaces serine with threonine at codon 999 of the KCNH2 protein. Computational prediction suggests that this variant may have deleterious impact on protein structure and function (internally defined REVEL score threshold >= 0.7, PMID: 27666373). Splice site prediction tools suggest that this variant may not impact RNA splicing. To our knowledge, functional studies have not been performed for this variant. This variant has not been reported in individuals affected with cardiovascular disorders in the literature. This variant has not been identified in the general population by the Genome Aggregation Database (gnomAD). The available evidence is insufficient to determine the role of this variant in disease conclusively. Therefore, this variant is classified as a Variant of Uncertain Significance.

This study involves interpretation of variants in research participants for the purpose of population health screening. Participant phenotype was not available at the time of variant classification. Additional details can be found in publication PMID: 35346344, PMCID: PMC8962531